The following is an entry in ClinVar:

ClinVar aggregate classification (germline): Uncertain significance (1 of 4 stars; one submission).

Submission:

Labcorp Genetics (formerly Invitae), Labcorp
Classification: Uncertain significance. Last evaluated: 2024-11-05. Review status: criteria provided, single submitter. Criteria: Invitae Variant Classification Sherloc (09022015). Collection method: clinical testing. Allele origin: germline.
Comment: This sequence change replaces alanine, which is neutral and non-polar, with threonine, which is neutral and polar, at codon 1754 of the ASPM protein (p.Ala1754Thr). This variant is not present in population databases (gnomAD no frequency). This variant has not been reported in the literature in individuals affected with ASPM-related conditions. ClinVar contains an entry for this variant (Variation ID: 1362612). Invitae Evidence Modeling of protein sequence and biophysical properties (such as structural, functional, and spatial information, amino acid conservation, physicochemical variation, residue mobility, and thermodynamic stability) indicates that this missense variant is not expected to disrupt ASPM protein function with a negative predictive value of 80%. In summary, the available evidence is currently insufficient to determine the role of this variant in disease. Therefore, it has been classified as a Variant of Uncertain Significance.

NM_018136.5(ASPM):c.5260G>A (p.Ala1754Thr)

Gene: ASPM (assembly factor for spindle microtubules; minus strand). Cytogenetic location: 1q31.3.
Variant type: single nucleotide variant.
Coding change: c.5260G>A on transcript NM_018136.5 (MANE Select); coding-DNA position 5260, G replaced by A.
Protein change: p.Ala1754Thr; replaces alanine 1754 with threonine.
Molecular consequence: missense variant. On other transcripts: intron variant (1).
Genome position (GRCh38, 1-based): chr1:197,103,991, C>T on the plus strand (G>A on the coding strand, the complement: ASPM is on the minus strand). VCF-style: chr1-197103991-C-T. GRCh37 (hg19) VCF-style: chr1-197073121-C-T.
Other names: c.4066-7827G>A (NM_001206846.2); short protein forms A1754T.
Identifiers: ClinVar variation 1362612 (VCV001362612.7), dbSNP rs765319168, ClinGen allele CA344027181.